The following is an entry in ClinVar:

NM_000543.5(SMPD1):c.1693G>A (p.Asp565Asn)

Gene: SMPD1 (sphingomyelin phosphodiesterase 1; plus strand). Cytogenetic location: 11p15.4.
Variant type: single nucleotide variant.
Coding change: c.1693G>A on transcript NM_000543.5 (MANE Select); coding-DNA position 1693, G replaced by A.
Protein change: p.Asp565Asn; replaces aspartic acid 565 with asparagine.
Molecular consequence: missense variant. On other transcripts: 3 prime UTR variant (1), non-coding transcript variant (2).
Genome position (GRCh38, 1-based): chr11:6,394,404, G>A. VCF-style: chr11-6394404-G-A. GRCh37 (hg19) VCF-style: chr11-6415634-G-A.
Other names: c.1690G>A, p.Asp564Asn (NM_001007593.3); c.*186G>A (NM_001318087.2); c.772G>A, p.Asp258Asn (NM_001318088.2); c.1561G>A, p.Asp521Asn (NM_001365135.2); short protein forms D564N, D565N, D258N, D521N.
Identifiers: ClinVar variation 2160147 (VCV002160147.1), dbSNP rs201127799, ClinGen allele CA5852970.

ClinVar aggregate classification (germline): Uncertain significance (1 of 4 stars; one submission).

Conditions:
Niemann-Pick disease, type B. Also called: Chronic Visceral ASMD (Niemann-Pick Disease Type B; NPD-B). Identifiers: Orphanet 77293, MedGen C0268243, MONDO:0011871, OMIM 607616. Disease mechanism: loss of function.
Niemann-Pick disease, type A. Also called: Infantile Neurovisceral ASMD (Niemann-Pick Disease Type A; NPD-A); SPHINGOMYELIN LIPIDOSIS; SPHINGOMYELINASE DEFICIENCY. Identifiers: Orphanet 77292, MedGen C0268242, MONDO:0009756, OMIM 257200. Disease mechanism: loss of function.

Allele frequency attached by ClinVar (database versions not stated): ExAC 0.00002; gnomAD exomes 0.00002; TOPMed 0.00002; gnomAD 0.00003; 1000 Genomes Project 0.00020; 1000 Genomes Project 30x 0.00031.
gnomAD v4.1: 29 of 1,614,206 alleles (0.0018%); highest among the groups gnomAD compares: Admixed American, 0.015%; no homozygotes.

Submission:

Labcorp Genetics (formerly Invitae), Labcorp
Classification: Uncertain significance for Niemann-Pick disease, type B; Niemann-Pick disease, type A. Last evaluated: 2022-01-10. Review status: criteria provided, single submitter. Criteria: Invitae Variant Classification Sherloc (09022015). Collection method: clinical testing. Allele origin: germline.
Comment: This sequence change replaces aspartic acid, which is acidic and polar, with asparagine, which is neutral and polar, at codon 565 of the SMPD1 protein (p.Asp565Asn). This variant is present in population databases (rs201127799, gnomAD 0.02%). This variant has not been reported in the literature in individuals affected with SMPD1-related conditions. Advanced modeling of protein sequence and biophysical properties (such as structural, functional, and spatial information, amino acid conservation, physicochemical variation, residue mobility, and thermodynamic stability) performed at Invitae indicates that this missense variant is not expected to disrupt SMPD1 protein function. In summary, the available evidence is currently insufficient to determine the role of this variant in disease. Therefore, it has been classified as a Variant of Uncertain Significance.